The following is an entry in ClinVar:

ClinVar aggregate classification (germline): Uncertain significance (1 of 4 stars; one submission).

gnomAD v4.1: 31 of 598,916 alleles (0.0052%); highest among the groups gnomAD compares: Non-Finnish European, 0.007%; no homozygotes.

Submissions (2):

Labcorp Genetics (formerly Invitae), Labcorp
Classification: Uncertain significance. Last evaluated: 2025-11-11. Review status: criteria provided, single submitter. Criteria: Invitae Variant Classification Sherloc (09022015). Collection method: clinical testing. Allele origin: germline.
Comment: This sequence change falls in intron 2 of the CWC27 gene. It does not directly change the encoded amino acid sequence of the CWC27 protein. It affects a nucleotide within the consensus splice site. This variant is not present in population databases (gnomAD no frequency). This variant has not been reported in the literature in individuals affected with CWC27-related conditions. Variants that disrupt the consensus splice site are a relatively common cause of aberrant splicing (PMID: 17576681, 9536098). Algorithms developed to predict the effect of sequence changes on RNA splicing suggest that this variant is not likely to affect RNA splicing. In summary, the available evidence is currently insufficient to determine the role of this variant in disease. Therefore, it has been classified as a Variant of Uncertain Significance.

Dr. Peter K. Rogan Lab, Western University
No classification provided (evidence only). Condition: Malignant tumor of esophagus. Review status: no classification provided. Collection method: in vitro. Allele origin: not applicable. Functional consequence: retained intron. Not counted in ClinVar's aggregate classification.

Literature cited by the submitters: PubMed 17576681 (cited by Labcorp Genetics (formerly Invitae), Labcorp); PubMed 9536098 (cited by Labcorp Genetics (formerly Invitae), Labcorp).

NM_005869.4(CWC27):c.139+5G>A

Gene: CWC27 (CWC27 spliceosome associated cyclophilin; plus strand). Cytogenetic location: 5q12.3.
Variant type: single nucleotide variant.
Coding change: c.139+5G>A on transcript NM_005869.4 (MANE Select); 5 bases into the intron after coding-DNA position 139, G replaced by A.
Molecular consequence: intron variant.
Genome position (GRCh38, 1-based): chr5:64,774,792, G>A. VCF-style: chr5-64774792-G-A. GRCh37 (hg19) VCF-style: chr5-64070619-G-A.
Other names: NC_000005.9:g.64070619G>A; c.139+5G>A (NM_001297644.1, NM_001364478.1, NM_001318000.2 and 1 more transcripts).
Identifiers: ClinVar variation 4317205 (VCV004317205.2).
Genomic context (GRCh38, chr5:64,774,792, plus strand): 5'-GTGGTCCAAAGAAGCTCCTAAAGCTTGCAGAAATTTTATCCAACTTTGTTTGGAAGGTAT[G>A]TTGACTTTTATTCTACTGGAGAAATTCTTGTTAATTTAAAAATAAACTGCAGTGTCTGCT-3'